The following is an entry in ClinVar:

ClinVar aggregate classification (germline): Uncertain significance (1 of 4 stars; one submission).

Allele frequency attached by ClinVar (database versions not stated): gnomAD exomes below 0.00001.
gnomAD v4.1: 1 of 1,613,910 alleles (0.000062%); highest among the groups gnomAD compares: Non-Finnish European, 0.000085%; no homozygotes.

Submission:

GeneDx
Classification: Uncertain significance. Last evaluated: 2023-12-11. Review status: criteria provided, single submitter. Criteria: GeneDx Variant Classification Process June 2021. Collection method: clinical testing. Allele origin: germline. Affected: yes.
Comment: Not observed at significant frequency in large population cohorts (gnomAD); In silico analysis supports that this missense variant does not alter protein structure/function; Has not been previously published as pathogenic or benign to our knowledge; This variant is associated with the following publications: (PMID: 15923622)

NM_024529.5(CDC73):c.651G>C (p.Glu217Asp)

Gene: CDC73 (cell division cycle 73; plus strand). Cytogenetic location: 1q31.2.
Variant type: single nucleotide variant.
Coding change: c.651G>C on transcript NM_024529.5 (MANE Select); coding-DNA position 651, G replaced by C.
Protein change: p.Glu217Asp; replaces glutamic acid 217 with aspartic acid.
Molecular consequence: missense variant.
Genome position (GRCh38, 1-based): chr1:193,141,988, G>C. VCF-style: chr1-193141988-G-C. GRCh37 (hg19) VCF-style: chr1-193111118-G-C.
Other names: short protein forms E217D.
Identifiers: ClinVar variation 3253450 (VCV003253450.1), dbSNP rs2103126296.
Genomic context (GRCh38, chr1:193,141,988, plus strand): 5'-CAAGACTGATCTAGATGATGACATAACTGCCCTTAAACAGAGGAGTTTTGTGGATGCTGA[G>C]GTAGATGTGACCCGAGATATTGTCAGCAGAGAGAGAGTATGGAGGACACGAACAACTATC-3'
Protein context (NP_078805.3, residues 207-227): ALKQRSFVDA[Glu217Asp]VDVTRDIVSR